The following is an entry in ClinVar:

ClinVar aggregate classification (germline): Likely pathogenic (1 of 4 stars; one submission).

Conditions:
Familial hemophagocytic lymphohistiocytosis 3 (FHL3). Also called: UNC13D-Related Familial Hemophagocytic Lymphohistiocytosis (UNC13D-fHLH). Identifiers: Orphanet 540, MedGen C1837174, MONDO:0012146, OMIM 608898.

Allele frequency attached by ClinVar (database versions not stated): ExAC 0.00001.
gnomAD v4.1: 15 of 1,614,012 alleles (0.00093%); highest among the groups gnomAD compares: Admixed American, 0.01%; no homozygotes.

Submission:

Labcorp Genetics (formerly Invitae), Labcorp
Classification: Likely pathogenic for Familial hemophagocytic lymphohistiocytosis 3. Last evaluated: 2025-08-02. Review status: criteria provided, single submitter. Criteria: Invitae Variant Classification Sherloc (09022015). Collection method: clinical testing. Allele origin: germline.
Comment: This sequence change affects an acceptor splice site in intron 6 of the UNC13D gene. It is expected to disrupt RNA splicing. Variants that disrupt the donor or acceptor splice site typically lead to a loss of protein function (PMID: 16199547), and loss-of-function variants in UNC13D are known to be pathogenic (PMID: 14622600). This variant is present in population databases (rs770325118, gnomAD 0.01%). Disruption of this splice site has been observed in individual(s) with clinical features of hemophagocytic lymphohistiocytosis (PMID: 24470399, 32542393). ClinVar contains an entry for this variant (Variation ID: 2182491). Algorithms developed to predict the effect of sequence changes on RNA splicing suggest that this variant may disrupt the consensus splice site. In summary, the currently available evidence indicates that the variant is pathogenic, but additional data are needed to prove that conclusively. Therefore, this variant has been classified as Likely Pathogenic.

Literature cited by the submitters: PubMed 16199547; PubMed 14622600; PubMed 24470399; PubMed 32542393.

NM_199242.3(UNC13D):c.570-2A>G

Gene: UNC13D (unc-13 homolog D; minus strand). Cytogenetic location: 17q25.1.
Variant type: single nucleotide variant.
Coding change: c.570-2A>G on transcript NM_199242.3 (MANE Select); the canonical splice acceptor site of the intron before coding-DNA position 570, A replaced by G.
Molecular consequence: splice acceptor variant.
Genome position (GRCh38, 1-based): chr17:75,841,003, T>C on the plus strand (A>G on the coding strand, the complement: UNC13D is on the minus strand). VCF-style: chr17-75841003-T-C. GRCh37 (hg19) VCF-style: chr17-73837084-T-C.
Identifiers: ClinVar variation 2182491 (VCV002182491.5), dbSNP rs770325118, ClinGen allele CA8773408.